The following is an entry in ClinVar:

NM_001286577.2(C2CD3):c.1562A>G (p.Asp521Gly)

Gene: C2CD3 (C2 domain containing 3 centriole elongation regulator; minus strand). Cytogenetic location: 11q13.4.
Variant type: single nucleotide variant.
Coding change: c.1562A>G on transcript NM_001286577.2 (MANE Select); coding-DNA position 1562, A replaced by G.
Protein change: p.Asp521Gly; replaces aspartic acid 521 with glycine.
Molecular consequence: missense variant.
Genome position (GRCh38, 1-based): chr11:74,114,552, T>C on the plus strand (A>G on the coding strand, the complement: C2CD3 is on the minus strand). VCF-style: chr11-74114552-T-C. GRCh37 (hg19) VCF-style: chr11-73825597-T-C.
Other names: c.1562A>G, p.Asp521Gly (NM_015531.6); short protein forms D521G.
Identifiers: ClinVar variation 1049871 (VCV001049871.1), dbSNP rs367961250, ClinGen allele CA6182919.

ClinVar aggregate classification (germline): Uncertain significance (0 of 4 stars; one submission).

Allele frequency attached by ClinVar (database versions not stated): gnomAD exomes below 0.00001; ExAC 0.00001; gnomAD 0.00002; TOPMed 0.00002; ESP Exome Variant Server 0.00008.
gnomAD v4.1: 3 of 1,613,970 alleles (0.00019%); highest among the groups gnomAD compares: African/African-American, 0.004%; no homozygotes.

Submission:

Department of Pathology and Laboratory Medicine, Sinai Health System
Classification: Uncertain significance. Review status: no assertion criteria provided. Collection method: clinical testing. Allele origin: unknown. Affected: yes. Study: The Canadian Open Genetics Repository (COGR).
Comment: The C2CD3 p.Asp521Gly variant was not identified in the literature nor was it identified in ClinVar. The variant was identified in dbSNP (ID: rs367961250) and LOVD 3.0. The variant was identified in control databases in 2 of 282850 chromosomes at a frequency of 0.000007071 (Genome Aggregation Database March 6, 2019, v2.1.1). The variant was observed in the African population in 2 of 24970 chromosomes (freq: 0.00008), but was not observed in the Latino, Ashkenazi Jewish, East Asian, European (Finnish), European (non-Finnish), Other, and South Asian populations. The p.Asp521 residue is not conserved in mammals and computational analyses (PolyPhen-2, SIFT, AlignGVGD, BLOSUM, MutationTaster) do not suggest a high likelihood of impact to the protein; however, this information is not predictive enough to rule out pathogenicity. The variant occurs outside of the splicing consensus sequence and three of four in silico or computational prediction software programs (SpliceSiteFinder, MaxEntScan, NNSPLICE, GeneSplicer) do not predict a difference in splicing. In summary, based on the above information the clinical significance of this variant cannot be determined with certainty at this time. This variant is classified as a variant of uncertain significance.